The following is an entry in ClinVar:

NM_001276270.2(MBD4):c.1271C>A (p.Pro424Gln)

Gene: MBD4 (methyl-CpG binding domain 4, DNA glycosylase; minus strand). Cytogenetic location: 3q21.3.
Variant type: single nucleotide variant.
Coding change: c.1271C>A on transcript NM_001276270.2 (MANE Select); coding-DNA position 1271, C replaced by A.
Protein change: p.Pro424Gln; replaces proline 424 with glutamine.
Molecular consequence: missense variant.
Genome position (GRCh38, 1-based): chr3:129,433,972, G>T on the plus strand (C>A on the coding strand, the complement: MBD4 is on the minus strand). VCF-style: chr3-129433972-G-T. GRCh37 (hg19) VCF-style: chr3-129152815-G-T.
Other names: c.1289C>A, p.Pro430Gln (NM_001276271.2, NM_001276272.2, NM_003925.3); c.335C>A, p.Pro112Gln (NM_001276273.2); short protein forms P112Q, P430Q, P424Q.
Identifiers: ClinVar variation 2798423 (VCV002798423.4), dbSNP rs772947874, ClinGen allele CA354466085.

ClinVar aggregate classification (germline): Uncertain significance. Review status: criteria provided, multiple submitters, no conflicts (2 of 4 stars). 2 submissions from 2 submitters: Uncertain significance (2). Last evaluated 2025-11-15.

Conditions:
Inborn genetic diseases. Identifiers: MedGen C0950123, MeSH D030342.

Allele frequency attached by ClinVar (database versions not stated): gnomAD 0.00002.
gnomAD v4.1: 5 of 1,614,038 alleles (0.00031%); highest among the groups gnomAD compares: Admixed American, 0.0017%; no homozygotes.

Submissions (2):

Ambry Genetics
Classification: Uncertain significance for Inborn genetic diseases. Last evaluated: 2025-11-15. Review status: criteria provided, single submitter. Criteria: Ambry Variant Classification Scheme 2023. Collection method: clinical testing. Allele origin: germline.
Comment: The p.P424Q variant (also known as c.1271C>A), located in coding exon 5 of the MBD4 gene, results from a C to A substitution at nucleotide position 1271. The proline at codon 424 is replaced by glutamine, an amino acid with similar properties. This amino acid position is conserved. In addition, this alteration is predicted to be deleterious by in silico analysis. Based on the available evidence, the clinical significance of this variant remains unclear.

Labcorp Genetics (formerly Invitae), Labcorp
Classification: Uncertain significance. Last evaluated: 2025-07-08. Review status: criteria provided, single submitter. Criteria: Invitae Variant Classification Sherloc (09022015). Collection method: clinical testing. Allele origin: germline.
Comment: This sequence change replaces proline, which is neutral and non-polar, with glutamine, which is neutral and polar, at codon 430 of the MBD4 protein (p.Pro430Gln). This variant is not present in population databases (gnomAD no frequency). This variant has not been reported in the literature in individuals affected with MBD4-related conditions. ClinVar contains an entry for this variant (Variation ID: 2798423). An algorithm developed to predict the effect of missense changes on protein structure and function (PolyPhen-2) suggests that this variant is likely to be disruptive. In summary, the available evidence is currently insufficient to determine the role of this variant in disease. Therefore, it has been classified as a Variant of Uncertain Significance.